The following is an entry in ClinVar:

ClinVar aggregate classification (germline): Uncertain significance (1 of 4 stars; one submission).

Allele frequency attached by ClinVar (database versions not stated): ESP Exome Variant Server 0.00008.
gnomAD v4.1: 7 of 1,614,242 alleles (0.00043%); highest among the groups gnomAD compares: Non-Finnish European, 0.00059%; no homozygotes.

Submission:

Labcorp Genetics (formerly Invitae), Labcorp
Classification: Uncertain significance. Last evaluated: 2023-10-27. Review status: criteria provided, single submitter. Criteria: Invitae Variant Classification Sherloc (09022015). Collection method: clinical testing. Allele origin: germline.
Comment: This sequence change replaces methionine, which is neutral and non-polar, with leucine, which is neutral and non-polar, at codon 946 of the COL4A1 protein (p.Met946Leu). This variant is present in population databases (rs375250353, gnomAD 0.0009%). This variant has not been reported in the literature in individuals affected with COL4A1-related conditions. An algorithm developed to predict the effect of missense changes on protein structure and function (PolyPhen-2) suggests that this variant is likely to be tolerated. In summary, the available evidence is currently insufficient to determine the role of this variant in disease. Therefore, it has been classified as a Variant of Uncertain Significance.

NM_001845.6(COL4A1):c.2836A>T (p.Met946Leu)

Gene: COL4A1 (collagen type IV alpha 1 chain; minus strand). Cytogenetic location: 13q34.
Variant type: single nucleotide variant.
Coding change: c.2836A>T on transcript NM_001845.6 (MANE Select); coding-DNA position 2836, A replaced by T.
Protein change: p.Met946Leu; replaces methionine 946 with leucine.
Molecular consequence: missense variant.
Genome position (GRCh38, 1-based): chr13:110,176,918, T>A on the plus strand (A>T on the coding strand, the complement: COL4A1 is on the minus strand). VCF-style: chr13-110176918-T-A. GRCh37 (hg19) VCF-style: chr13-110829265-T-A.
Other names: short protein forms M946L.
Identifiers: ClinVar variation 2733008 (VCV002733008.3), dbSNP rs375250353, ClinGen allele CA256254977.